The following is an entry in ClinVar:

NM_022474.4(PALS1):c.1555C>T (p.Arg519Ter)

Genes: GPHN (gephyrin; plus strand), PALS1 (protein associated with LIN7 1, MAGUK p55 family member; plus strand). Cytogenetic location: 14q23.3.
Variant type: single nucleotide variant.
Coding change: c.1555C>T on transcript NM_022474.4 (MANE Select); coding-DNA position 1555, C replaced by T.
Protein change: p.Arg519Ter; replaces arginine 519 with a stop codon.
Molecular consequence: nonsense.
Genome position (GRCh38, 1-based): chr14:67,321,074, C>T. VCF-style: chr14-67321074-C-T. GRCh37 (hg19) VCF-style: chr14-67787791-C-T.
Other names: c.1453C>T, p.Arg485Ter (NM_001256550.2); short protein forms R485*, R519*.
Identifiers: ClinVar variation 916016 (VCV000916016.2), dbSNP rs1219650023, ClinGen allele CA390129688.

ClinVar aggregate classification (germline): Uncertain significance (1 of 4 stars; one submission).

Allele frequency attached by ClinVar (database versions not stated): gnomAD exomes below 0.00001.
gnomAD v4.1: 2 of 1,614,016 alleles (0.00012%); highest among the groups gnomAD compares: Non-Finnish European, 0.00017%; no homozygotes.

Submission:

GeneDx
Classification: Uncertain significance. Last evaluated: 2021-04-29. Review status: criteria provided, single submitter. Criteria: GeneDx Variant Classification Process June 2021. Collection method: clinical testing. Allele origin: germline. Affected: yes.
Comment: Nonsense variant predicted to result in protein truncation or nonsense mediated decay in a gene for which loss-of-function is not a known mechanism of disease; Variants in candidate genes are classified as variants of uncertain significance in accordance with ACMG guidelines (Richards et al., 2015); This variant is associated with the following publications: (PMID: 33073849)